The following is an entry in ClinVar:

NM_001379200.1(TBX1):c.1301A>C (p.His434Pro)

Gene: TBX1 (T-box transcription factor 1; plus strand). Cytogenetic location: 22q11.21.
Variant type: single nucleotide variant.
Coding change: c.1301A>C on transcript NM_001379200.1 (MANE Select); coding-DNA position 1301, A replaced by C.
Protein change: p.His434Pro; replaces histidine 434 with proline.
Molecular consequence: missense variant. On other transcripts: intron variant (2).
Genome position (GRCh38, 1-based): chr22:19,766,653, A>C. VCF-style: chr22-19766653-A-C. GRCh37 (hg19) VCF-style: chr22-19754176-A-C.
Other names: c.1274A>C, p.His425Pro (NM_080647.1); c.1009+651A>C (NM_005992.1, NM_080646.2); short protein forms H434P, H425P.
Identifiers: ClinVar variation 2739587 (VCV002739587.3), dbSNP rs569976109, ClinGen allele CA410684898.

ClinVar aggregate classification (germline): Uncertain significance (1 of 4 stars; one submission).

Conditions:
DiGeorge syndrome. Also called: THIRD AND FOURTH PHARYNGEAL POUCH SYNDROME; Catch22. Identifiers: Orphanet 567, MedGen C0012236, MONDO:0008564, OMIM 188400.

Submission:

Labcorp Genetics (formerly Invitae), Labcorp
Classification: Uncertain significance for DiGeorge syndrome. Last evaluated: 2023-06-09. Review status: criteria provided, single submitter. Criteria: Invitae Variant Classification Sherloc (09022015). Collection method: clinical testing. Allele origin: germline.
Comment: In summary, the available evidence is currently insufficient to determine the role of this variant in disease. Therefore, it has been classified as a Variant of Uncertain Significance. An algorithm developed to predict the effect of missense changes on protein structure and function (PolyPhen-2) suggests that this variant is likely to be disruptive. This variant has not been reported in the literature in individuals affected with TBX1-related conditions. This variant is not present in population databases (gnomAD no frequency). This sequence change replaces histidine, which is basic and polar, with proline, which is neutral and non-polar, at codon 425 of the TBX1 protein (p.His425Pro).